The following is an entry in ClinVar:

ClinVar aggregate classification (germline): Likely benign (1 of 4 stars; one submission).

Submission:

CeGaT Center for Human Genetics Tuebingen
Classification: Likely benign. Last evaluated: 2026-09-01. Review status: criteria provided, single submitter. Criteria: CeGaT Center For Human Genetics Tuebingen Variant Classification Criteria Version 2. Collection method: clinical testing. Allele origin: germline. Affected: yes. Observed: 8 variant alleles.
Comment: ADGRL1: BP4, BP7, BS1

NM_014921.5(ADGRL1):c.2928G>A (p.Ala976=)

Genes: ADGRL1-AS1 (ADGRL1 antisense RNA 1; plus strand), ADGRL1 (adhesion G protein-coupled receptor L1; minus strand). Cytogenetic location: 19p13.12.
Variant type: single nucleotide variant.
Coding change: c.2928G>A on transcript NM_014921.5 (MANE Select); coding-DNA position 2928, G replaced by A.
Protein change: p.Ala976=; no amino-acid change (alanine 976 retained).
Molecular consequence: synonymous variant.
Genome position (GRCh38, 1-based): chr19:14,156,963, C>T on the plus strand (G>A on the coding strand, the complement: ADGRL1 is on the minus strand). VCF-style: chr19-14156963-C-T. GRCh37 (hg19) VCF-style: chr19-14267775-C-T.
Other names: c.2943G>A, p.Ala981= (NM_001008701.3).
Identifiers: ClinVar variation 4280908 (VCV004280908.7).